The following is an entry in ClinVar:

NM_003978.5(PSTPIP1):c.326G>A (p.Arg109His)

Gene: PSTPIP1 (proline-serine-threonine phosphatase interacting protein 1; plus strand). Cytogenetic location: 15q24.3.
Variant type: single nucleotide variant.
Coding change: c.326G>A on transcript NM_003978.5 (MANE Select); coding-DNA position 326, G replaced by A.
Protein change: p.Arg109His; replaces arginine 109 with histidine.
Molecular consequence: missense variant. On other transcripts: non-coding transcript variant (1).
Genome position (GRCh38, 1-based): chr15:77,025,576, G>A. VCF-style: chr15-77025576-G-A. GRCh37 (hg19) VCF-style: chr15-77317917-G-A.
Other names: c.326G>A, p.Arg109His (NM_001321135.2); c.299G>A, p.Arg100His (NM_001321136.2); c.521G>A, p.Arg174His (NM_001321137.1); short protein forms R109H, R174H, R100H.
Identifiers: ClinVar variation 317172 (VCV000317172.8), dbSNP rs772315853, ClinGen allele CA7675776.

ClinVar aggregate classification (germline): Uncertain significance. Review status: criteria provided, multiple submitters, no conflicts (2 of 4 stars). 2 submissions from 2 submitters: Uncertain significance (2). Last evaluated 2025-02-20.

Conditions:
Pyogenic arthritis-pyoderma gangrenosum-acne syndrome (PAPA). Also called: FAMILIAL RECURRENT ARTHRITIS; PAPA SYNDROME. Identifiers: Orphanet 69126, MedGen C1858361, MONDO:0011462, OMIM 604416.

Allele frequency attached by ClinVar (database versions not stated): gnomAD 0.00002; TOPMed 0.00002; gnomAD exomes 0.00003; ExAC 0.00004.
gnomAD v4.1: 22 of 1,551,096 alleles (0.0014%); highest among the groups gnomAD compares: East Asian, 0.0049%; no homozygotes.

Submissions (2):

Labcorp Genetics (formerly Invitae), Labcorp
Classification: Uncertain significance for Pyogenic arthritis-pyoderma gangrenosum-acne syndrome. Last evaluated: 2025-02-20. Review status: criteria provided, single submitter. Criteria: Invitae Variant Classification Sherloc (09022015). Collection method: clinical testing. Allele origin: germline.
Comment: This sequence change replaces arginine, which is basic and polar, with histidine, which is basic and polar, at codon 109 of the PSTPIP1 protein (p.Arg109His). The frequency data for this variant in the population databases is considered unreliable, as metrics indicate poor data quality at this position in the gnomAD database. This variant has not been reported in the literature in individuals affected with PSTPIP1-related conditions. ClinVar contains an entry for this variant (Variation ID: 317172). Invitae Evidence Modeling of protein sequence and biophysical properties (such as structural, functional, and spatial information, amino acid conservation, physicochemical variation, residue mobility, and thermodynamic stability) has been performed for this missense variant. However, the output from this modeling did not meet the statistical confidence thresholds required to predict the impact of this variant on PSTPIP1 protein function. In summary, the available evidence is currently insufficient to determine the role of this variant in disease. Therefore, it has been classified as a Variant of Uncertain Significance.

Illumina Laboratory Services, Illumina
Classification: Uncertain significance for Pyogenic arthritis-pyoderma gangrenosum-acne syndrome. Last evaluated: 2018-01-12. Review status: criteria provided, single submitter. Criteria: ICSL Variant Classification Criteria 13 December 2019. Collection method: clinical testing. Allele origin: germline.